The following is an entry in ClinVar:

NM_007055.4(POLR3A):c.2176G>T (p.Glu726Ter)

Gene: POLR3A (RNA polymerase III subunit A; minus strand). Cytogenetic location: 10q22.3.
Variant type: single nucleotide variant.
Coding change: c.2176G>T on transcript NM_007055.4 (MANE Select); coding-DNA position 2176, G replaced by T.
Protein change: p.Glu726Ter; replaces glutamic acid 726 with a stop codon.
Molecular consequence: nonsense.
Genome position (GRCh38, 1-based): chr10:78,004,787, C>A on the plus strand (G>T on the coding strand, the complement: POLR3A is on the minus strand). VCF-style: chr10-78004787-C-A. GRCh37 (hg19) VCF-style: chr10-79764545-C-A.
Other names: short protein forms E726*.
Identifiers: ClinVar variation 2017609 (VCV002017609.4), dbSNP rs1437847867, ClinGen allele CA377338188.

ClinVar aggregate classification (germline): Pathogenic (1 of 4 stars; one submission).

Allele frequency attached by ClinVar (database versions not stated): gnomAD exomes below 0.00001; gnomAD 0.00001.
gnomAD v4.1: 2 of 1,613,878 alleles (0.00012%); highest among the groups gnomAD compares: Admixed American, 0.0017%; no homozygotes.

Submission:

Labcorp Genetics (formerly Invitae), Labcorp
Classification: Pathogenic. Last evaluated: 2022-08-09. Review status: criteria provided, single submitter. Criteria: Invitae Variant Classification Sherloc (09022015). Collection method: clinical testing. Allele origin: germline.
Comment: This variant has not been reported in the literature in individuals affected with POLR3A-related conditions. This sequence change creates a premature translational stop signal (p.Glu726*) in the POLR3A gene. It is expected to result in an absent or disrupted protein product. Loss-of-function variants in POLR3A are known to be pathogenic (PMID: 21855841, 25339210, 27612211, 30414627, 30450527). This variant is present in population databases (no rsID available, gnomAD 0.1%). For these reasons, this variant has been classified as Pathogenic.

Literature cited by the submitters: PubMed 21855841; PubMed 25339210; PubMed 27612211; PubMed 30414627; PubMed 30450527.